The following is an entry in ClinVar:

ClinVar aggregate classification (germline): Uncertain significance (1 of 4 stars; one submission).

Allele frequency attached by ClinVar (database versions not stated): ESP Exome Variant Server 0.00031.
gnomAD v4.1: 582 of 1,613,850 alleles (0.036%); highest among the groups gnomAD compares: Non-Finnish European, 0.047%; no homozygotes.

Submission:

Labcorp Genetics (formerly Invitae), Labcorp
Classification: Uncertain significance. Last evaluated: 2025-10-01. Review status: criteria provided, single submitter. Criteria: Invitae Variant Classification Sherloc (09022015). Collection method: clinical testing. Allele origin: germline.
Comment: This sequence change replaces proline, which is neutral and non-polar, with serine, which is neutral and polar, at codon 824 of the RPS6KC1 protein (p.Pro824Ser). This variant is present in population databases (rs138148824, gnomAD 0.02%). This variant has not been reported in the literature in individuals affected with RPS6KC1-related conditions. ClinVar contains an entry for this variant (Variation ID: 1399266). An algorithm developed to predict the effect of missense changes on protein structure and function outputs the following: PolyPhen-2: "Benign". The serine amino acid residue is found in multiple mammalian species, which suggests that this missense change does not adversely affect protein function. In summary, the available evidence is currently insufficient to determine the role of this variant in disease. Therefore, it has been classified as a Variant of Uncertain Significance.

NM_012424.6(RPS6KC1):c.2470C>T (p.Pro824Ser)

Gene: RPS6KC1 (ribosomal protein S6 kinase C1; plus strand). Cytogenetic location: 1q32.3.
Variant type: single nucleotide variant.
Coding change: c.2470C>T on transcript NM_012424.6 (MANE Select); coding-DNA position 2470, C replaced by T.
Protein change: p.Pro824Ser; replaces proline 824 with serine.
Molecular consequence: missense variant. On other transcripts: non-coding transcript variant (4).
Genome position (GRCh38, 1-based): chr1:213,241,946, C>T. VCF-style: chr1-213241946-C-T. GRCh37 (hg19) VCF-style: chr1-213415289-C-T.
Other names: c.2434C>T, p.Pro812Ser (NM_001136138.4); c.1834C>T, p.Pro612Ser (NM_001287218.3, NM_001287219.3, NM_001349654.2); c.1075C>T, p.Pro359Ser (NM_001287220.3, NM_001349663.2, NM_001349664.2 and 8 more transcripts); c.1927C>T, p.Pro643Ser (NM_001287221.3, NM_001349648.2, NM_001349649.2 and 4 more transcripts); c.2377C>T, p.Pro793Ser (NM_001349646.2); c.2107C>T, p.Pro703Ser (NM_001349647.2); c.1579C>T, p.Pro527Ser (NM_001349657.2, NM_001349658.2); c.1414C>T, p.Pro472Ser (NM_001349659.2, NM_001349660.2, NM_001349661.2 and 1 more transcripts); short protein forms P359S, P612S, P793S, P643S, P703S, P812S, P824S, P472S.
Identifiers: ClinVar variation 1399266 (VCV001399266.6), dbSNP rs138148824, ClinGen allele CA1387621.